The following is an entry in ClinVar:

NM_001267550.2(TTN):c.6163G>A (p.Glu2055Lys)

Gene: TTN (titin; minus strand). Cytogenetic location: 2q31.2.
Variant type: single nucleotide variant.
Coding change: c.6163G>A on transcript NM_001267550.2 (MANE Select); coding-DNA position 6163, G replaced by A.
Protein change: p.Glu2055Lys; replaces glutamic acid 2055 with lysine.
Molecular consequence: missense variant.
Genome position (GRCh38, 1-based): chr2:178,775,701, C>T on the plus strand (G>A on the coding strand, the complement: TTN is on the minus strand). VCF-style: chr2-178775701-C-T. GRCh37 (hg19) VCF-style: chr2-179640428-C-T.
Other names: c.6163G>A, p.Glu2055Lys (NM_001256850.1, NM_133378.4, NM_133379.5); c.6025G>A, p.Glu2009Lys (NM_003319.4, NM_133432.3, NM_133437.4); short protein forms E2055K, E2009K.
Identifiers: ClinVar variation 413230 (VCV000413230.15), dbSNP rs763733251, ClinGen allele CA2005092.

ClinVar aggregate classification (germline): Conflicting classifications of pathogenicity. Review status: criteria provided, conflicting classifications (1 of 4 stars). 3 submissions from 3 submitters: Uncertain significance (2); Likely benign (1). Last evaluated 2026-03-20.

Conditions:
TTN-related disorder. Also called: TTN-related disorders; TTN-related condition; TTN-related disease.
Autosomal recessive limb-girdle muscular dystrophy type 2J (LGMDR10). Also called: Limb-girdle muscular dystrophy, type 2J; MUSCULAR DYSTROPHY, LIMB-GIRDLE, AUTOSOMAL RECESSIVE 10. Identifiers: Orphanet 140922, MedGen C1837342, MONDO:0012127, OMIM 608807.
Dilated cardiomyopathy 1G (CMD1G). Identifiers: Orphanet 154, MedGen C1858763, MONDO:0011400, OMIM 604145.

Allele frequency attached by ClinVar (database versions not stated): gnomAD 0.00003; TOPMed 0.00003; gnomAD exomes 0.00006 and 0.00010; ExAC 0.00017.
gnomAD v4.1: 94 of 1,613,992 alleles (0.0058%); highest among the groups gnomAD compares: East Asian, 0.098%; 1 homozygote.

Submissions (3):

PreventionGenetics, part of Exact Sciences
Classification: Uncertain significance for TTN-related condition. Last evaluated: 2026-03-20. Review status: criteria provided, single submitter. Criteria: ACMG Guidelines, 2015. Collection method: clinical testing. Allele origin: germline.
Comment: The TTN c.6163G>A variant is predicted to result in the amino acid substitution p.Glu2055Lys. This variant has been reported in an individual with hypertrophic cardiomyopathy; however, this individual also carried a large MYBPC3 deletion which could explain the clinical features (Mates et al. 2018. PubMed ID: 29511324). This variant is reported in 0.050% of alleles in individuals of East Asian descent in gnomAD. Although we suspect that this variant may be benign, at this time, the clinical significance of this variant is uncertain due to the absence of conclusive functional and genetic evidence.

Labcorp Genetics (formerly Invitae), Labcorp
Classification: Likely benign for Dilated cardiomyopathy 1G; Autosomal recessive limb-girdle muscular dystrophy type 2J. Last evaluated: 2026-01-13. Review status: criteria provided, single submitter. Criteria: Invitae Variant Classification Sherloc (09022015). Collection method: clinical testing. Allele origin: germline.

Revvity Omics, Revvity
Classification: Uncertain significance. Last evaluated: 2021-06-02. Review status: criteria provided, single submitter. Criteria: ACMG Guidelines, 2015. Collection method: clinical testing. Allele origin: germline.